The following is an entry in ClinVar:

NM_006218.4(PIK3CA):c.2080G>T (p.Ala694Ser)

Gene: PIK3CA (phosphatidylinositol-4,5-bisphosphate 3-kinase catalytic subunit alpha; plus strand). Cytogenetic location: 3q26.32.
Variant type: single nucleotide variant.
Coding change: c.2080G>T on transcript NM_006218.4 (MANE Select); coding-DNA position 2080, G replaced by T.
Protein change: p.Ala694Ser; replaces alanine 694 with serine.
Molecular consequence: missense variant.
Genome position (GRCh38, 1-based): chr3:179,221,050, G>T. VCF-style: chr3-179221050-G-T. GRCh37 (hg19) VCF-style: chr3-178938838-G-T.
Other names: c.2080G>T (LRG_310t1); short protein forms A694S.
Identifiers: ClinVar variation 572793 (VCV000572793.10), dbSNP rs200404201, ClinGen allele CA2710876.

ClinVar aggregate classification (germline): Conflicting classifications of pathogenicity. Review status: criteria provided, conflicting classifications (1 of 4 stars). 2 submissions from 2 submitters: Uncertain significance (1); Likely benign (1). Last evaluated 2023-02-10.

Conditions:
Cowden syndrome (CS). Also called: Cowden's disease; Cowden's syndrome; Cowden disease. Identifiers: Orphanet 201, MedGen C0018553, MONDO:0016063. Disease mechanism: gain of function.

Allele frequency attached by ClinVar (database versions not stated): TOPMed 0.00004; gnomAD 0.00006; gnomAD exomes 0.00011 and 0.00014; ESP Exome Variant Server 0.00017; ExAC 0.00023.
gnomAD v4.1: 175 of 1,612,728 alleles (0.011%); highest among the groups gnomAD compares: Non-Finnish European, 0.014%; no homozygotes.

Submissions (2):

Labcorp Genetics (formerly Invitae), Labcorp
Classification: Uncertain significance for Cowden syndrome. Last evaluated: 2023-02-10. Review status: criteria provided, single submitter. Criteria: Invitae Variant Classification Sherloc (09022015). Collection method: clinical testing. Allele origin: germline.
Comment: In summary, the available evidence is currently insufficient to determine the role of this variant in disease. Therefore, it has been classified as a Variant of Uncertain Significance. Algorithms developed to predict the effect of missense changes on protein structure and function (SIFT, PolyPhen-2, Align-GVGD) all suggest that this variant is likely to be tolerated. ClinVar contains an entry for this variant (Variation ID: 572793). This variant has not been reported in the literature in individuals affected with PIK3CA-related conditions. This variant is present in population databases (rs200404201, gnomAD 0.03%), and has an allele count higher than expected for a pathogenic variant. This sequence change replaces alanine, which is neutral and non-polar, with serine, which is neutral and polar, at codon 694 of the PIK3CA protein (p.Ala694Ser).

Blueprint Genetics
Classification: Likely benign. Last evaluated: 2022-02-15. Review status: criteria provided, single submitter. Criteria: ACMG Guidelines, 2015. Collection method: clinical testing. Allele origin: germline.